The following is an entry in ClinVar:

ClinVar aggregate classification (germline): Uncertain significance (1 of 4 stars; one submission).

Submission:

Labcorp Genetics (formerly Invitae), Labcorp
Classification: Uncertain significance. Last evaluated: 2025-05-22. Review status: criteria provided, single submitter. Criteria: Invitae Variant Classification Sherloc (09022015). Collection method: clinical testing. Allele origin: germline.
Comment: This sequence change replaces serine, which is neutral and polar, with phenylalanine, which is neutral and non-polar, at codon 333 of the COL9A1 protein (p.Ser333Phe). This variant is not present in population databases (gnomAD no frequency). This variant has not been reported in the literature in individuals affected with COL9A1-related conditions. Invitae Evidence Modeling of protein sequence and biophysical properties (such as structural, functional, and spatial information, amino acid conservation, physicochemical variation, residue mobility, and thermodynamic stability) indicates that this missense variant is not expected to disrupt COL9A1 protein function with a negative predictive value of 95%. In summary, the available evidence is currently insufficient to determine the role of this variant in disease. Therefore, it has been classified as a Variant of Uncertain Significance.

NM_001851.6(COL9A1):c.998C>T (p.Ser333Phe)

Gene: COL9A1 (collagen type IX alpha 1 chain; minus strand). Cytogenetic location: 6q13.
Variant type: single nucleotide variant.
Coding change: c.998C>T on transcript NM_001851.6 (MANE Select); coding-DNA position 998, C replaced by T.
Protein change: p.Ser333Phe; replaces serine 333 with phenylalanine.
Molecular consequence: missense variant. On other transcripts: non-coding transcript variant (1).
Genome position (GRCh38, 1-based): chr6:70,274,750, G>A on the plus strand (C>T on the coding strand, the complement: COL9A1 is on the minus strand). VCF-style: chr6-70274750-G-A. GRCh37 (hg19) VCF-style: chr6-70984453-G-A.
Other names: c.269C>T, p.Ser90Phe (NM_001377289.1, NM_001377290.1, NM_078485.4); short protein forms S333F, S90F.
Identifiers: ClinVar variation 4709069 (VCV004709069.1).
Genomic context (GRCh38, chr6:70,274,750, plus strand): 5'-TAGCAATTAATGCCAGATGGCTAACTTACTTTTTGTCCCTTTGACCCAATGGAGCCAGGG[G>A]ATCCATCAGGTCCTGTTAATCCCTAATAGAGCAAGACAATGATGTTAGAACTATCATAAC-3'
Protein context (NP_001842.3, residues 323-343): GADGLTGPDG[Ser333Phe]PGSIGSKGQK